The following is an entry in ClinVar:

ClinVar aggregate classification (germline): Benign/Likely benign. Review status: criteria provided, multiple submitters, no conflicts (2 of 4 stars). 2 submissions from 2 submitters: Benign (1); Likely benign (1). Last evaluated 2025-01-27.

Conditions:
Lynch syndrome 4 (LYNCH4). Also called: Colorectal cancer, hereditary nonpolyposis, type 4; Hereditary non-polyposis colorectal cancer, type 4. Identifiers: Orphanet 144, MedGen C1838333, MONDO:0013699, OMIM 614337. Disease mechanism: loss of function.
Hereditary nonpolyposis colorectal neoplasms. Identifiers: MedGen C0009405, MeSH D003123.

Allele frequency attached by ClinVar (database versions not stated): gnomAD exomes below 0.00001; ExAC 0.00001.
gnomAD v4.1: 1 of 1,614,030 alleles (0.000062%); highest among the groups gnomAD compares: South Asian, 0.0011%; no homozygotes.

Submissions (2):

Myriad Genetics, Inc.
Classification: Benign for Lynch syndrome 4. Last evaluated: 2025-01-27. Review status: criteria provided, single submitter. Criteria: Myriad Autosomal Dominant, Autosomal Recessive and X-Linked Classification Criteria (2023). Collection method: clinical testing. Allele origin: unknown.
Comment: This variant is considered benign. This variant is a silent/synonymous amino acid change and it is not expected to impact splicing.

Labcorp Genetics (formerly Invitae), Labcorp
Classification: Likely benign for Hereditary nonpolyposis colorectal neoplasms. Last evaluated: 2023-07-10. Review status: criteria provided, single submitter. Criteria: Invitae Variant Classification Sherloc (09022015). Collection method: clinical testing. Allele origin: germline.

NM_000535.7(PMS2):c.660C>T (p.Ser220=)

Gene: PMS2 (PMS1 homolog 2, mismatch repair system component; minus strand). Cytogenetic location: 7p22.1.
Variant type: single nucleotide variant.
Coding change: c.660C>T on transcript NM_000535.7 (MANE Select); coding-DNA position 660, C replaced by T.
Protein change: p.Ser220=; no amino-acid change (serine 220 retained).
Molecular consequence: synonymous variant. On other transcripts: non-coding transcript variant (1), intron variant (9), 5 prime UTR variant (2).
Genome position (GRCh38, 1-based): chr7:5,999,153, G>A on the plus strand (C>T on the coding strand, the complement: PMS2 is on the minus strand). VCF-style: chr7-5999153-G-A. GRCh37 (hg19) VCF-style: chr7-6038784-G-A.
Other names: c.132+3300C>T (NM_001406911.1); c.192+63C>T (NM_001406904.1, NM_001406905.1); c.133-1730C>T (NM_001322013.2, NM_001406909.1); c.537+3300C>T (NM_001406886.1); c.538-1730C>T (NM_001406884.1, NM_001406874.1); c.597+63C>T (NM_001406869.1); c.846C>T, p.Ser282= (NM_001406866.1); c.684C>T, p.Ser228= (NM_001406868.1); and 6 more.
Identifiers: ClinVar variation 2740507 (VCV002740507.4), dbSNP rs745997910, ClinGen allele CA050829.